The following is an entry in ClinVar:

ClinVar aggregate classification (germline): Uncertain significance (1 of 4 stars; one submission).

Conditions:
ABCB4-related disorder. Also called: ABCB4-related disorders; ABCB4-related condition.

Submission:

PreventionGenetics, part of Exact Sciences
Classification: Uncertain significance for ABCB4-related condition. Last evaluated: 2026-02-27. Review status: criteria provided, single submitter. Criteria: ACMG Guidelines, 2015. Collection method: clinical testing. Allele origin: germline.
Comment: The ABCB4 c.3128A>C variant is predicted to result in the amino acid substitution p.Tyr1043Ser. To our knowledge, this variant has not been reported in the literature or in a large population database (gnomAD), indicating this variant is rare. At this time, the clinical significance of this variant is uncertain due to the absence of conclusive functional and genetic evidence.

NM_000443.4(ABCB4):c.3128A>C (p.Tyr1043Ser)

Gene: ABCB4 (ATP binding cassette subfamily B member 4; minus strand). Cytogenetic location: 7q21.12.
Variant type: single nucleotide variant.
Coding change: c.3128A>C on transcript NM_000443.4 (MANE Select); coding-DNA position 3128, A replaced by C.
Protein change: p.Tyr1043Ser; replaces tyrosine 1043 with serine.
Molecular consequence: missense variant.
Genome position (GRCh38, 1-based): chr7:87,408,188, T>G on the plus strand (A>C on the coding strand, the complement: ABCB4 is on the minus strand). VCF-style: chr7-87408188-T-G. GRCh37 (hg19) VCF-style: chr7-87037504-T-G.
Other names: c.3128A>C, p.Tyr1043Ser (NM_018849.3); c.2987A>C, p.Tyr996Ser (NM_018850.3); short protein forms Y996S, Y1043S.
Identifiers: ClinVar variation 4995810 (VCV004995810.1).